The following is an entry in ClinVar:

NM_003060.4(SLC22A5):c.131C>A (p.Ala44Glu)

Gene: SLC22A5 (solute carrier family 22 member 5; plus strand). Cytogenetic location: 5q31.1.
Variant type: single nucleotide variant.
Coding change: c.131C>A on transcript NM_003060.4 (MANE Select); coding-DNA position 131, C replaced by A.
Protein change: p.Ala44Glu; replaces alanine 44 with glutamic acid.
Molecular consequence: missense variant.
Genome position (GRCh38, 1-based): chr5:132,370,103, C>A. VCF-style: chr5-132370103-C-A. GRCh37 (hg19) VCF-style: chr5-131705795-C-A.
Other names: c.131C>A, p.Ala44Glu (NM_001308122.2); short protein forms A44E.
Identifiers: ClinVar variation 2054574 (VCV002054574.3), dbSNP rs199689597, ClinGen allele CA3403794.

ClinVar aggregate classification (germline): Uncertain significance (1 of 4 stars; one submission).

Conditions:
Renal carnitine transport defect (CDSP). Also called: Primary carnitine deficiency; Systemic primary carnitine deficiency; Carnitine transporter deficiency; Carnitine Deficiency, Systemic; Systemic primary carnitine deficiency disease; CARNITINE DEFICIENCY, SYSTEMIC, DUE TO DEFECT IN RENAL REABSORPTION OF CARNITINE. Identifiers: Orphanet 158, MedGen C0342788, MONDO:0008919, OMIM 212140.

gnomAD v4.1: 2 of 1,612,168 alleles (0.00012%); highest among the groups gnomAD compares: South Asian, 0.0022%; no homozygotes.

Submission:

Labcorp Genetics (formerly Invitae), Labcorp
Classification: Uncertain significance for Renal carnitine transport defect. Last evaluated: 2022-05-14. Review status: criteria provided, single submitter. Criteria: Invitae Variant Classification Sherloc (09022015). Collection method: clinical testing. Allele origin: germline.
Comment: In summary, the available evidence is currently insufficient to determine the role of this variant in disease. Therefore, it has been classified as a Variant of Uncertain Significance. This variant disrupts the p.Ala44 amino acid residue in SLC22A5. Other variant(s) that disrupt this residue have been determined to be pathogenic (PMID: 23963628, 28711408). This suggests that this residue is clinically significant, and that variants that disrupt this residue are likely to be disease-causing. Algorithms developed to predict the effect of missense changes on protein structure and function (SIFT, PolyPhen-2, Align-GVGD) all suggest that this variant is likely to be tolerated. This variant has not been reported in the literature in individuals affected with SLC22A5-related conditions. The frequency data for this variant in the population databases is considered unreliable, as metrics indicate poor data quality at this position in the gnomAD database. This sequence change replaces alanine, which is neutral and non-polar, with glutamic acid, which is acidic and polar, at codon 44 of the SLC22A5 protein (p.Ala44Glu).

Literature cited by the submitters: PubMed 23963628; PubMed 28711408.